The following is an entry in ClinVar:

NM_001184880.2(PCDH19):c.2125G>C (p.Glu709Gln)

Gene: PCDH19 (protocadherin 19; minus strand). Cytogenetic location: Xq22.1.
Variant type: single nucleotide variant.
Coding change: c.2125G>C on transcript NM_001184880.2 (MANE Select); coding-DNA position 2125, G replaced by C.
Protein change: p.Glu709Gln; replaces glutamic acid 709 with glutamine.
Molecular consequence: missense variant.
Genome position (GRCh38, 1-based): chrX:100,406,473, C>G on the plus strand (G>C on the coding strand, the complement: PCDH19 is on the minus strand). VCF-style: chrX-100406473-C-G. GRCh37 (hg19) VCF-style: chrX-99661471-C-G.
Other names: c.2125G>C, p.Glu709Gln (NM_001105243.2, NM_020766.3); short protein forms E709Q.
Identifiers: ClinVar variation 533848 (VCV000533848.9), dbSNP rs983417935, ClinGen allele CA333826056.

ClinVar aggregate classification (germline): Uncertain significance (1 of 4 stars; one submission).

Conditions:
Developmental and epileptic encephalopathy, 9 (DEE9). Also called: Early infantile epileptic encephalopathy 9; EPILEPSY, FEMALE-RESTRICTED, WITH MENTAL RETARDATION; PCDH19-Related X-Linked Female-Limited Epilepsy with Mental Retardation; JUBERG-HELLMAN SYNDROME. Identifiers: Orphanet 101039, Orphanet 2076, MedGen C1848137, MONDO:0010246, OMIM 300088. Disease mechanism: loss of function.

Allele frequency attached by ClinVar (database versions not stated): gnomAD 0.00003; TOPMed 0.00005.

Submission:

Labcorp Genetics (formerly Invitae), Labcorp
Classification: Uncertain significance for Developmental and epileptic encephalopathy, 9. Last evaluated: 2025-10-10. Review status: criteria provided, single submitter. Criteria: Invitae Variant Classification Sherloc (09022015). Collection method: clinical testing. Allele origin: germline.
Comment: This sequence change replaces glutamic acid, which is acidic and polar, with glutamine, which is neutral and polar, at codon 709 of the PCDH19 protein (p.Glu709Gln). This variant is present in population databases (no rsID available, gnomAD 0.02%). This variant has not been reported in the literature in individuals affected with PCDH19-related conditions. ClinVar contains an entry for this variant (Variation ID: 533848). Invitae Evidence Modeling of protein sequence and biophysical properties (such as structural, functional, and spatial information, amino acid conservation, physicochemical variation, residue mobility, and thermodynamic stability) has been performed for this missense variant. However, the output from this modeling did not meet the statistical confidence thresholds required to predict the impact of this variant on PCDH19 protein function. In summary, the available evidence is currently insufficient to determine the role of this variant in disease. Therefore, it has been classified as a Variant of Uncertain Significance.